The following is an entry in ClinVar:

ClinVar aggregate classification (germline): Uncertain significance (1 of 4 stars; one submission).

Conditions:
Congenital myasthenic syndrome 12 (CMS12). Also called: MYASTHENIC SYNDROME, CONGENITAL, WITH TUBULAR AGGREGATES 1; Myasthenia, congenital, 12, with tubular aggregates. Identifiers: Orphanet 353327, Orphanet 590, MedGen C3552335, MONDO:0012518, OMIM 610542.

Submission:

Labcorp Genetics (formerly Invitae), Labcorp
Classification: Uncertain significance for Congenital myasthenic syndrome 12. Last evaluated: 2021-10-27. Review status: criteria provided, single submitter. Criteria: Invitae Variant Classification Sherloc (09022015). Collection method: clinical testing. Allele origin: germline.
Comment: In summary, the available evidence is currently insufficient to determine the role of this variant in disease. Therefore, it has been classified as a Variant of Uncertain Significance. Algorithms developed to predict the effect of missense changes on protein structure and function are either unavailable or do not agree on the potential impact of this missense change (SIFT: "Deleterious"; PolyPhen-2: "Probably Damaging"; Align-GVGD: "Class C0"). This variant has not been reported in the literature in individuals affected with GFPT1-related conditions. This variant is not present in population databases (gnomAD no frequency). This sequence change replaces glutamic acid, a(n) acidic and polar amino acid, with aspartic acid, a(n) acidic and polar amino acid, at codon 31 of the GFPT1 protein (p.Glu31Asp).

NM_001244710.2(GFPT1):c.93G>C (p.Glu31Asp)

Gene: GFPT1 (glutamine--fructose-6-phosphate transaminase 1; minus strand). Cytogenetic location: 2p13.3.
Variant type: single nucleotide variant.
Coding change: c.93G>C on transcript NM_001244710.2 (MANE Select); coding-DNA position 93, G replaced by C.
Protein change: p.Glu31Asp; replaces glutamic acid 31 with aspartic acid.
Molecular consequence: missense variant.
Genome position (GRCh38, 1-based): chr2:69,374,028, C>G on the plus strand (G>C on the coding strand, the complement: GFPT1 is on the minus strand). VCF-style: chr2-69374028-C-G. GRCh37 (hg19) VCF-style: chr2-69601160-C-G.
Other names: c.93G>C, p.Glu31Asp (NM_002056.4); short protein forms E31D.
Identifiers: ClinVar variation 1449334 (VCV001449334.6), dbSNP rs1671813015, ClinGen allele CA347135011.
Genomic context (GRCh38, chr2:69,374,028, plus strand): 5'-AGAATCATGCAAAATCCATAGTATTTTTTTTAAAGTACCAGCAGAATCATATCCTCTGTA[C>G]TCCAGTCTCTGAAGGCCTTTGATTAGGGTCTCCAGGATTTCTCGTCTCGTTCGAGGAACA-3'
Protein context (NP_001231639.1, residues 21-41): ETLIKGLQRL[Glu31Asp]YRGYDSAGVG